The following is an entry in ClinVar:

NM_016453.4(NCKIPSD):c.172-5C>G

Gene: NCKIPSD (NCK interacting protein with SH3 domain; minus strand). Cytogenetic location: 3p21.31.
Variant type: single nucleotide variant.
Coding change: c.172-5C>G on transcript NM_016453.4 (MANE Select); 5 bases into the intron before coding-DNA position 172, C replaced by G.
Molecular consequence: intron variant.
Genome position (GRCh38, 1-based): chr3:48,683,017, G>C on the plus strand (C>G on the coding strand, the complement: NCKIPSD is on the minus strand). VCF-style: chr3-48683017-G-C. GRCh37 (hg19) VCF-style: chr3-48720450-G-C.
Other names: c.172-5C>G (NM_184231.3).
Identifiers: ClinVar variation 2653804 (VCV002653804.24), dbSNP rs375304871, ClinGen allele CA2386471.

ClinVar aggregate classification (germline): Likely benign (1 of 4 stars; one submission).

gnomAD v4.1: 82 of 1,549,542 alleles (0.0053%); highest among the groups gnomAD compares: Middle Eastern, 0.018%; no homozygotes.

Submission:

CeGaT Center for Human Genetics Tuebingen
Classification: Likely benign. Last evaluated: 2022-10-01. Review status: criteria provided, single submitter. Criteria: CeGaT Center For Human Genetics Tuebingen Variant Classification Criteria Version 2. Collection method: clinical testing. Allele origin: germline. Affected: yes. Observed: 1 variant allele.
Comment: NCKIPSD: BP4